The following is an entry in ClinVar:

NM_015404.4(WHRN):c.2193C>T (p.Ser731=)

Gene: WHRN (whirlin; minus strand). Cytogenetic location: 9q32.
Variant type: single nucleotide variant.
Coding change: c.2193C>T on transcript NM_015404.4 (MANE Select); coding-DNA position 2193, C replaced by T.
Protein change: p.Ser731=; no amino-acid change (serine 731 retained).
Molecular consequence: synonymous variant.
Genome position (GRCh38, 1-based): chr9:114,406,398, G>A on the plus strand (C>T on the coding strand, the complement: WHRN is on the minus strand). VCF-style: chr9-114406398-G-A. GRCh37 (hg19) VCF-style: chr9-117168678-G-A.
Other names: c.1044C>T, p.Ser348= (NM_001083885.3); c.2193C>T, p.Ser731= (NM_001173425.2); c.1140C>T, p.Ser380= (NM_001346890.1).
Identifiers: ClinVar variation 227291 (VCV000227291.12), dbSNP rs147358257, ClinGen allele CA5205721.
Genomic context (GRCh38, chr9:114,406,398, plus strand): 5'-GGCCTTGCTGTACTCACTGCGCGTCTGGGGCAGCGCCCTCACTTCATTGACGTCTGGCTC[G>A]CTGTCGGGGCGGTGGACCTCCACCATGACAAAGTGCTGGTTTGTGCCTGTCTGGTCTGGG-3'
Protein context (NP_056219.3, residues 721-741): FVMVEVHRPD[Ser731=]EPDVNEVRAL

ClinVar aggregate classification (germline): Likely benign. Review status: criteria provided, multiple submitters, no conflicts (2 of 4 stars). 3 submissions from 3 submitters: Likely benign (3). Last evaluated 2025-12-28.

Allele frequency attached by ClinVar (database versions not stated): ExAC 0.00003; gnomAD 0.00004 and 0.00005; gnomAD exomes 0.00004; TOPMed 0.00005.
gnomAD v4.1: 70 of 1,614,164 alleles (0.0043%); highest among the groups gnomAD compares: African/African-American, 0.033%; no homozygotes.

Submissions (3):

Labcorp Genetics (formerly Invitae), Labcorp
Classification: Likely benign. Last evaluated: 2025-12-28. Review status: criteria provided, single submitter. Criteria: Invitae Variant Classification Sherloc (09022015). Collection method: clinical testing. Allele origin: germline.

Blueprint Genetics
Classification: Likely benign. Last evaluated: 2024-07-15. Review status: criteria provided, single submitter. Criteria: ACMG Guidelines, 2015. Collection method: clinical testing. Allele origin: germline.

Laboratory for Molecular Medicine, Mass General Brigham Personalized Medicine
Classification: Likely benign. Last evaluated: 2015-07-30. Review status: criteria provided, single submitter. Criteria: LMM Criteria. Collection method: clinical testing. Allele origin: germline. Observed: 1 variant allele.
Comment: p.Ser731Ser in exon 9 of DFNB31: This variant is not expected to have clinical s ignificance because it does not alter an amino acid residue and is not located w ithin the splice consensus sequence. It has been identified in 2/10236 African a nd 2/16512 South Asian chromosomes by the Exome Aggregation Consortium (ExAC; dbSNP rs147358257).